The following is an entry in ClinVar:

NM_004977.3(KCNC3):c.1205G>C (p.Ser402Thr)

Gene: KCNC3 (potassium voltage-gated channel subfamily C member 3; minus strand). Cytogenetic location: 19q13.33.
Variant type: single nucleotide variant.
Coding change: c.1205G>C on transcript NM_004977.3 (MANE Select); coding-DNA position 1205, G replaced by C.
Protein change: p.Ser402Thr; replaces serine 402 with threonine.
Molecular consequence: missense variant.
Genome position (GRCh38, 1-based): chr19:50,323,748, C>G on the plus strand (G>C on the coding strand, the complement: KCNC3 is on the minus strand). VCF-style: chr19-50323748-C-G. GRCh37 (hg19) VCF-style: chr19-50827005-C-G.
Other names: c.977G>C, p.Ser326Thr (NM_001372305.1); short protein forms S326T, S402T.
Identifiers: ClinVar variation 2134173 (VCV002134173.4), dbSNP rs1601098692, ClinGen allele CA406952246.

ClinVar aggregate classification (germline): Uncertain significance (1 of 4 stars; one submission).

Submission:

Labcorp Genetics (formerly Invitae), Labcorp
Classification: Uncertain significance. Last evaluated: 2022-05-05. Review status: criteria provided, single submitter. Criteria: Invitae Variant Classification Sherloc (09022015). Collection method: clinical testing. Allele origin: germline.
Comment: Algorithms developed to predict the effect of missense changes on protein structure and function are either unavailable or do not agree on the potential impact of this missense change (SIFT: "Tolerated"; PolyPhen-2: "Probably Damaging"; Align-GVGD: "Class C0"). This variant has not been reported in the literature in individuals affected with KCNC3-related conditions. This variant is not present in population databases (gnomAD no frequency). This sequence change replaces serine, which is neutral and polar, with threonine, which is neutral and polar, at codon 402 of the KCNC3 protein (p.Ser402Thr). In summary, the available evidence is currently insufficient to determine the role of this variant in disease. Therefore, it has been classified as a Variant of Uncertain Significance.